The following is an entry in ClinVar:

NM_001846.4(COL4A2):c.4347C>T (p.Pro1449=)

Genes: COL4A2 (collagen type IV alpha 2 chain; plus strand), COL4A2-AS1 (COL4A2 antisense RNA 1; minus strand). Cytogenetic location: 13q34.
Variant type: single nucleotide variant.
Coding change: c.4347C>T on transcript NM_001846.4 (MANE Select); coding-DNA position 4347, C replaced by T.
Protein change: p.Pro1449=; no amino-acid change (proline 1449 retained).
Molecular consequence: synonymous variant.
Genome position (GRCh38, 1-based): chr13:110,504,209, C>T. VCF-style: chr13-110504209-C-T. GRCh37 (hg19) VCF-style: chr13-111156556-C-T.
Identifiers: ClinVar variation 725811 (VCV000725811.9), dbSNP rs375772742, ClinGen allele CA7050501.

ClinVar aggregate classification (germline): Likely benign. Review status: criteria provided, single submitter (1 of 4 stars). 2 submissions from 2 submitters: Likely benign (1). 1 of the submissions does not count toward it. Last evaluated 2025-09-04.

Conditions:
COL4A2-related disorder. Also called: COL4A2-related disorders; COL4A2-related condition.

Allele frequency attached by ClinVar (database versions not stated): ExAC 0.00010; gnomAD exomes 0.00013 and 0.00003; gnomAD 0.00002; TOPMed 0.00005.
gnomAD v4.1: 56 of 1,614,012 alleles (0.0035%); highest among the groups gnomAD compares: Admixed American, 0.047%; no homozygotes.

Submissions (2):

Labcorp Genetics (formerly Invitae), Labcorp
Classification: Likely benign. Last evaluated: 2025-09-04. Review status: criteria provided, single submitter. Criteria: Invitae Variant Classification Sherloc (09022015). Collection method: clinical testing. Allele origin: germline.

PreventionGenetics, part of Exact Sciences
Classification: Likely benign for COL4A2-related condition. Last evaluated: 2024-05-03. Review status: no assertion criteria provided. Collection method: clinical testing. Allele origin: germline. Not counted in ClinVar's aggregate classification.
Comment: This variant is classified as likely benign based on ACMG/AMP sequence variant interpretation guidelines (Richards et al. 2015 PMID: 25741868, with internal and published modifications).